The following is an entry in ClinVar:

ClinVar aggregate classification (germline): Benign/Likely benign. Review status: criteria provided, multiple submitters, no conflicts (2 of 4 stars). 3 submissions from 3 submitters: Benign (1); Likely benign (2). Last evaluated 2024-05-15.

Conditions:
Familial cancer of breast. Also called: hereditary breast carcinoma; BREAST CANCER, FAMILIAL; Hereditary breast cancer. Identifiers: Orphanet 227535, MedGen C0346153, MONDO:0016419, OMIM 114480. Disease mechanism: loss of function.
Ataxia-telangiectasia syndrome (AT). Also called: Cerebello-oculocutaneous telangiectasia; Immunodeficiency with ataxia telangiectasia; Ataxia telangiectasia (A-T); Ataxia-telangiectasia, complementation group E; LOUIS-BAR SYNDROME; Ataxia-telangiectasia. Identifiers: Orphanet 100, MedGen C0004135, MONDO:0008840, OMIM 208900.
Hereditary cancer-predisposing syndrome. Also called: Hereditary neoplastic syndrome; Tumor predisposition; Hereditary Cancer Syndrome; Neoplastic Syndromes, Hereditary. Identifiers: Orphanet 140162, MedGen C0027672, MeSH D009386, MONDO:0015356.

Allele frequency attached by ClinVar (database versions not stated): gnomAD exomes below 0.00001; ExAC 0.00001.
gnomAD v4.1: 1 of 1,613,946 alleles (0.000062%); highest among the groups gnomAD compares: Non-Finnish European, 0.000085%; no homozygotes.

Submissions (3):

Myriad Genetics, Inc.
Classification: Benign for Familial cancer of breast. Last evaluated: 2024-05-15. Review status: criteria provided, single submitter. Criteria: Myriad Autosomal Dominant, Autosomal Recessive and X-Linked Classification Criteria (2023). Collection method: clinical testing. Allele origin: unknown.
Comment: This variant is considered benign. This variant is a silent/synonymous amino acid change and it is not expected to impact splicing.

Labcorp Genetics (formerly Invitae), Labcorp
Classification: Likely benign for Ataxia-telangiectasia syndrome. Last evaluated: 2023-12-11. Review status: criteria provided, single submitter. Criteria: Invitae Variant Classification Sherloc (09022015). Collection method: clinical testing. Allele origin: germline.

Ambry Genetics
Classification: Likely benign for Hereditary cancer-predisposing syndrome. Last evaluated: 2019-06-12. Review status: criteria provided, single submitter. Criteria: Ambry Variant Classification Scheme 2023. Collection method: clinical testing. Allele origin: germline.

NM_000051.4(ATM):c.3897C>G (p.Ala1299=)

Gene: ATM (ATM serine/threonine kinase; plus strand). Cytogenetic location: 11q22.3.
Variant type: single nucleotide variant.
Coding change: c.3897C>G on transcript NM_000051.4 (MANE Select); coding-DNA position 3897, C replaced by G.
Protein change: p.Ala1299=; no amino-acid change (alanine 1299 retained).
Molecular consequence: synonymous variant.
Genome position (GRCh38, 1-based): chr11:108,284,377, C>G. VCF-style: chr11-108284377-C-G. GRCh37 (hg19) VCF-style: chr11-108155104-C-G.
Other names: c.3897C>G, p.Ala1299= (NM_001351834.2).
Identifiers: ClinVar variation 577862 (VCV000577862.16), dbSNP rs760491475, ClinGen allele CA6265361.